The following is an entry in ClinVar:

NM_001042750.2(STAG2):c.2776-1G>A

Gene: STAG2 (STAG2 cohesin complex component; plus strand). Cytogenetic location: Xq25.
Variant type: single nucleotide variant.
Coding change: c.2776-1G>A on transcript NM_001042750.2 (MANE Select); the canonical splice acceptor site of the intron before coding-DNA position 2776, G replaced by A.
Molecular consequence: splice acceptor variant.
Genome position (GRCh38, 1-based): chrX:124,081,379, G>A. VCF-style: chrX-124081379-G-A. GRCh37 (hg19) VCF-style: chrX-123215229-G-A.
Other names: c.2776-1G>A (NM_001042749.2, NM_001441077.1, NM_001375366.1 and 23 more transcripts).
Identifiers: ClinVar variation 4885782 (VCV004885782.2).
Genomic context (GRCh38, chrX:124,081,379, plus strand): 5'-TTAAAAGATGTTAATCTCCAGGTATTAAGAACTTTAACATGCTTTCTTTCTTTCCAAACA[G>A]CTTTTTAATGAAATGATACAAGAAAATGGCTATAATTTTGATAGATCATCCTCTACATTT-3'

ClinVar aggregate classification (germline): Likely pathogenic (1 of 4 stars; one submission).

Submission:

Dasa
Classification: Likely pathogenic. Last evaluated: 2026-04-15. Review status: criteria provided, single submitter. Criteria: DASA Assertion Criteria. Collection method: clinical testing. Allele origin: germline.
Comment: NM_001042750.2(STAG2):c.2776-1G>A affects a canonical splice site and is predicted to disrupt normal RNA splicing. Loss of function is an established disease mechanism for STAG2 (PMID: 28296084; PMID: 30158690; PMID: 31334757). Also, this variant is rare in population databases. Based on the currently available evidence, this variant is classified as likely pathogenic.

Literature cited by the submitters: PubMed 28296084; PubMed 30158690; PubMed 31334757.